The following is an entry in ClinVar:

ClinVar aggregate classification (germline): Uncertain significance (1 of 4 stars; one submission).

Conditions:
Luscan-Lumish syndrome. Identifiers: Orphanet 597738, MedGen C4085873, MONDO:0014791, OMIM 616831.

Allele frequency attached by ClinVar (database versions not stated): gnomAD 0.00001.
gnomAD v4.1: 1 of 1,613,948 alleles (0.000062%); highest among the groups gnomAD compares: Non-Finnish European, 0.000085%; no homozygotes.

Submission:

Labcorp Genetics (formerly Invitae), Labcorp
Classification: Uncertain significance for Luscan-Lumish syndrome. Last evaluated: 2023-05-16. Review status: criteria provided, single submitter. Criteria: Invitae Variant Classification Sherloc (09022015). Collection method: clinical testing. Allele origin: germline.
Comment: In summary, the available evidence is currently insufficient to determine the role of this variant in disease. Therefore, it has been classified as a Variant of Uncertain Significance. Advanced modeling of protein sequence and biophysical properties (such as structural, functional, and spatial information, amino acid conservation, physicochemical variation, residue mobility, and thermodynamic stability) performed at Invitae indicates that this missense variant is not expected to disrupt SETD2 protein function. This variant has not been reported in the literature in individuals affected with SETD2-related conditions. This variant is not present in population databases (gnomAD no frequency). This sequence change replaces aspartic acid, which is acidic and polar, with glutamic acid, which is acidic and polar, at codon 1363 of the SETD2 protein (p.Asp1363Glu).

NM_014159.7(SETD2):c.4089C>G (p.Asp1363Glu)

Gene: SETD2 (SET domain containing 2, histone lysine methyltransferase; minus strand). Cytogenetic location: 3p21.31.
Variant type: single nucleotide variant.
Coding change: c.4089C>G on transcript NM_014159.7 (MANE Select); coding-DNA position 4089, C replaced by G.
Protein change: p.Asp1363Glu; replaces aspartic acid 1363 with glutamic acid.
Molecular consequence: missense variant. On other transcripts: non-coding transcript variant (1).
Genome position (GRCh38, 1-based): chr3:47,120,547, G>C on the plus strand (C>G on the coding strand, the complement: SETD2 is on the minus strand). VCF-style: chr3-47120547-G-C. GRCh37 (hg19) VCF-style: chr3-47162037-G-C.
Other names: c.3957C>G, p.Asp1319Glu (NM_001349370.3); short protein forms D1363E, D1319E.
Identifiers: ClinVar variation 2886397 (VCV002886397.3), dbSNP rs2043032155, ClinGen allele CA352518767.